The following is an entry in ClinVar:

ClinVar aggregate classification (germline): Conflicting classifications of pathogenicity. Review status: criteria provided, conflicting classifications (1 of 4 stars). 3 submissions from 3 submitters: Uncertain significance (2); Likely benign (1). Last evaluated 2021-08-10.

Conditions:
Hereditary cancer-predisposing syndrome. Also called: Tumor predisposition; Neoplastic Syndromes, Hereditary; Hereditary neoplastic syndrome; Hereditary Cancer Syndrome. Identifiers: Orphanet 140162, MedGen C0027672, MeSH D009386, MONDO:0015356.
Familial cancer of breast. Also called: BREAST CANCER, FAMILIAL; Hereditary breast cancer; hereditary breast carcinoma. Identifiers: Orphanet 227535, MedGen C0346153, MONDO:0016419, OMIM 114480. Disease mechanism: loss of function.

Allele frequency attached by ClinVar (database versions not stated): ESP Exome Variant Server 0.00008.

Submissions (3):

Ambry Genetics
Classification: Likely benign for Hereditary cancer-predisposing syndrome. Last evaluated: 2021-08-10. Review status: criteria provided, single submitter. Criteria: Ambry Variant Classification Scheme 2023. Collection method: clinical testing. Allele origin: germline.

Quest Diagnostics Nichols Institute San Juan Capistrano
Classification: Uncertain significance. Last evaluated: 2021-08-09. Review status: criteria provided, single submitter. Criteria: Quest Diagnostics criteria. Collection method: clinical testing. Allele origin: unknown.

Labcorp Genetics (formerly Invitae), Labcorp
Classification: Uncertain significance for Familial cancer of breast. Last evaluated: 2019-05-21. Review status: criteria provided, single submitter. Criteria: Invitae Variant Classification Sherloc (09022015). Collection method: clinical testing. Allele origin: germline.
Comment: This variant is not present in population databases (ExAC no frequency). This variant has been observed in an individual affected with breast and/or ovarian cancer (PMID: 28528518). Algorithms developed to predict the effect of missense changes on protein structure and function output the following: SIFT: "Tolerated"; PolyPhen-2: "Benign"; Align-GVGD: "Class C0". The glutamic acid amino acid residue is found in multiple mammalian species, suggesting that this missense change does not adversely affect protein function. These predictions have not been confirmed by published functional studies and their clinical significance is uncertain. Algorithms developed to predict the effect of sequence changes on RNA splicing suggest that this variant may create or strengthen a splice site, but this prediction has not been confirmed by published transcriptional studies. This sequence change replaces aspartic acid with glutamic acid at codon 161 of the PALB2 protein (p.Asp161Glu). The aspartic acid residue is moderately conserved and there is a small physicochemical difference between aspartic acid and glutamic acid. In summary, the available evidence is currently insufficient to determine the role of this variant in disease. Therefore, it has been classified as a Variant of Uncertain Significance.

Literature cited by the submitters: PubMed 28528518 (cited by Quest Diagnostics Nichols Institute San Juan Capistrano and Labcorp Genetics (formerly Invitae), Labcorp).

NM_024675.4(PALB2):c.483C>G (p.Asp161Glu)

Gene: PALB2 (partner and localizer of BRCA2; minus strand). Cytogenetic location: 16p12.2.
Variant type: single nucleotide variant.
Coding change: c.483C>G on transcript NM_024675.4 (MANE Select); coding-DNA position 483, C replaced by G.
Protein change: p.Asp161Glu; replaces aspartic acid 161 with glutamic acid.
Molecular consequence: missense variant.
Genome position (GRCh38, 1-based): chr16:23,636,063, G>C on the plus strand (C>G on the coding strand, the complement: PALB2 is on the minus strand). VCF-style: chr16-23636063-G-C. GRCh37 (hg19) VCF-style: chr16-23647384-G-C.
Other names: short protein forms D161E.
Identifiers: ClinVar variation 849998 (VCV000849998.14), dbSNP rs371627753, ClinGen allele CA279499946.